The following is an entry in ClinVar:

NM_001371904.1(APOA5):c.615C>G (p.His205Gln)

Gene: APOA5 (apolipoprotein A5; minus strand). Cytogenetic location: 11q23.3.
Variant type: single nucleotide variant.
Coding change: c.615C>G on transcript NM_001371904.1 (MANE Select); coding-DNA position 615, C replaced by G.
Protein change: p.His205Gln; replaces histidine 205 with glutamine.
Molecular consequence: missense variant.
Genome position (GRCh38, 1-based): chr11:116,790,614, G>C on the plus strand (C>G on the coding strand, the complement: APOA5 is on the minus strand). VCF-style: chr11-116790614-G-C. GRCh37 (hg19) VCF-style: chr11-116661330-G-C.
Other names: c.615C>G, p.His205Gln (NM_001166598.2, NM_052968.5); short protein forms H205Q.
Identifiers: ClinVar variation 1751926 (VCV001751926.2), dbSNP rs752477156, ClinGen allele CA6289037.

ClinVar aggregate classification (germline): Uncertain significance (1 of 4 stars; one submission).

Conditions:
Cardiovascular phenotype. Identifiers: MedGen CN230736.

Submission:

Ambry Genetics
Classification: Uncertain significance for Cardiovascular phenotype. Last evaluated: 2021-12-02. Review status: criteria provided, single submitter. Criteria: Ambry Variant Classification Scheme 2023. Collection method: clinical testing. Allele origin: germline.
Comment: The p.H205Q variant (also known as c.615C>G), located in coding exon 3 of the APOA5 gene, results from a C to G substitution at nucleotide position 615. The histidine at codon 205 is replaced by glutamine, an amino acid with highly similar properties. This amino acid position is conserved. In addition, this alteration is predicted to be tolerated by in silico analysis. Since supporting evidence is limited at this time, the clinical significance of this alteration remains unclear.